The following is an entry in ClinVar:

NM_004972.4(JAK2):c.1767C>A (p.Asn589Lys)

Genes: INSL6 (insulin like 6; minus strand), JAK2 (Janus kinase 2; plus strand). Cytogenetic location: 9p24.1.
Variant type: single nucleotide variant.
Coding change: c.1767C>A on transcript NM_004972.4 (MANE Select); coding-DNA position 1767, C replaced by A.
Protein change: p.Asn589Lys; replaces asparagine 589 with lysine.
Molecular consequence: missense variant. On other transcripts: non-coding transcript variant (2).
Genome position (GRCh38, 1-based): chr9:5,072,617, C>A. VCF-style: chr9-5072617-C-A. GRCh37 (hg19) VCF-style: chr9-5072617-C-A.
Other names: c.1767C>A, p.Asn589Lys (NM_001322194.2, NM_001322195.2, NM_001322196.2); c.552C>A, p.Asn184Lys (NM_001322198.2, NM_001322199.2); c.1320C>A, p.Asn440Lys (NM_001322204.2); short protein forms N184K, N440K, N589K.
Identifiers: ClinVar variation 2631000 (VCV002631000.24), dbSNP rs1362123436, ClinGen allele CA372826200.

ClinVar aggregate classification (germline): Uncertain significance. Review status: criteria provided, multiple submitters, no conflicts (2 of 4 stars). 2 submissions from 2 submitters: Uncertain significance (2). Last evaluated 2023-08-19.

Conditions:
JAK2-related disorder. Also called: JAK2-related condition.

Allele frequency attached by ClinVar (database versions not stated): gnomAD 0.00001; gnomAD exomes 0.00001; TOPMed 0.00001.
gnomAD v4.1: 8 of 1,604,584 alleles (0.0005%); highest among the groups gnomAD compares: Non-Finnish European, 0.00068%; no homozygotes.

Submissions (2):

PreventionGenetics, part of Exact Sciences
Classification: Uncertain significance for JAK2-related condition. Last evaluated: 2023-08-19. Review status: criteria provided, single submitter. Criteria: ACMG Guidelines, 2015. Collection method: clinical testing. Allele origin: germline.
Comment: The JAK2 c.1767C>A variant is predicted to result in the amino acid substitution p.Asn589Lys. This variant was reported in an individual with erythrocytosis (Table 1 in Kristan et al 2021. PubMed ID: 34349782). Of note, this individual's son was also affected, but did not carry this variant. This variant is reported in 0.00089% of alleles in individuals of European (Non-Finnish) descent in gnomAD. At this time, the clinical significance of this variant is uncertain due to the absence of conclusive functional and genetic evidence.

CeGaT Center for Human Genetics Tuebingen
Classification: Uncertain significance. Last evaluated: 2023-01-01. Review status: criteria provided, single submitter. Criteria: CeGaT Center For Human Genetics Tuebingen Variant Classification Criteria Version 2. Collection method: clinical testing. Allele origin: germline. Affected: yes. Observed: 1 variant allele.